The following is an entry in ClinVar:

ClinVar aggregate classification (germline): Uncertain significance (1 of 4 stars; one submission).

gnomAD v4.1: 1 of 1,224,816 alleles (0.000082%); no homozygotes.

Submission:

Mayo Clinic Laboratories, Mayo Clinic
Classification: Uncertain significance. Last evaluated: 2025-06-11. Review status: criteria provided, single submitter. Criteria: ACMG Guidelines, 2015. Collection method: clinical testing. Allele origin: germline. Observed: 1 variant allele.
Comment: BP4

NM_004260.4(RECQL4):c.-3G>T

Genes: RECQL4 (RecQ like helicase 4; minus strand), LOC130001411 (ATAC-STARR-seq lymphoblastoid silent region 19699; plus strand). Cytogenetic location: 8q24.3.
Variant type: single nucleotide variant.
Coding change: c.-3G>T on transcript NM_004260.4 (MANE Select); 3 bases upstream of the start codon, G replaced by T.
Molecular consequence: 5 prime UTR variant. On other transcripts: non-coding transcript variant (3).
Genome position (GRCh38, 1-based): chr8:144,517,787, C>A on the plus strand (G>T on the coding strand, the complement: RECQL4 is on the minus strand). VCF-style: chr8-144517787-C-A. GRCh37 (hg19) VCF-style: chr8-145743171-C-A.
Other names: c.-3G>T (NM_001413017.1, NM_001413018.1, NM_001413019.1 and 6 more transcripts); c.-788G>T (NM_001413021.1); c.-1139G>T (NM_001413022.1, NM_001413023.1, NM_001413037.1 and 2 more transcripts); c.-1036G>T (NM_001413024.1); c.-1136G>T (NM_001413027.1); c.-864G>T (NM_001413028.1); c.-1201G>T (NM_001413030.1, NM_001413031.1, NM_001413041.1); c.-1033G>T (NM_001413032.1); and 4 more.
Identifiers: ClinVar variation 4541411 (VCV004541411.1).